The following is an entry in ClinVar:

ClinVar aggregate classification (germline): Uncertain significance (1 of 4 stars; one submission).

Conditions:
Familial hypocalciuric hypercalcemia (FHH). Also called: Familial benign hypercalcemia. Identifiers: Orphanet 405, MedGen C1809471, MONDO:0018458.
Autosomal dominant hypocalcemia 1 (HYPOC1). Also called: HYPOCALCEMIA, FAMILIAL. Identifiers: MedGen C3715128, MONDO:0011013, OMIM 601198.

Allele frequency attached by ClinVar (database versions not stated): gnomAD exomes below 0.00001.
gnomAD v4.1: 1 of 1,614,172 alleles (0.000062%); highest among the groups gnomAD compares: South Asian, 0.0011%; no homozygotes.

Submission:

Labcorp Genetics (formerly Invitae), Labcorp
Classification: Uncertain significance for Familial hypocalciuric hypercalcemia; Autosomal dominant hypocalcemia 1. Last evaluated: 2021-03-08. Review status: criteria provided, single submitter. Criteria: Invitae Variant Classification Sherloc (09022015). Collection method: clinical testing. Allele origin: germline.
Comment: In summary, the available evidence is currently insufficient to determine the role of this variant in disease. Therefore, it has been classified as a Variant of Uncertain Significance. This sequence change replaces phenylalanine with serine at codon 968 of the CASR protein (p.Phe968Ser). The phenylalanine residue is highly conserved and there is a large physicochemical difference between phenylalanine and serine. This variant is not present in population databases (ExAC no frequency). This variant has been observed in individual(s) with idiopathic chronic pancreatitis (ICP) (PMID: 26166472). Algorithms developed to predict the effect of missense changes on protein structure and function are either unavailable or do not agree on the potential impact of this missense change (SIFT: "Deleterious"; PolyPhen-2: "Benign"; Align-GVGD: "Class C65").

Literature cited by the submitters: PubMed 26166472.

NM_000388.4(CASR):c.2903T>C (p.Phe968Ser)

Gene: CASR (calcium sensing receptor; plus strand). Cytogenetic location: 3q21.1.
Variant type: single nucleotide variant.
Coding change: c.2903T>C on transcript NM_000388.4 (MANE Select); coding-DNA position 2903, T replaced by C.
Protein change: p.Phe968Ser; replaces phenylalanine 968 with serine.
Molecular consequence: missense variant.
Genome position (GRCh38, 1-based): chr3:122,284,857, T>C. VCF-style: chr3-122284857-T-C. GRCh37 (hg19) VCF-style: chr3-122003704-T-C.
Other names: c.2933T>C, p.Phe978Ser (NM_001178065.2); short protein forms F968S, F978S.
Identifiers: ClinVar variation 1377428 (VCV001377428.8), dbSNP rs2107651496, ClinGen allele CA354161024.